The following is an entry in ClinVar:

ClinVar aggregate classification (germline): Pathogenic (1 of 4 stars; one submission).

Submission:

Athena Diagnostics
Classification: Pathogenic. Last evaluated: 2020-07-22. Review status: criteria provided, single submitter. Criteria: Athena Diagnostics Criteria. Collection method: clinical testing. Allele origin: unknown.
Comment: The variant results in a shift of the reading frame, and is therefore predicted to result in the loss of a functional protein. Found in at least one patient with expected phenotype for this gene, and not found in general population data.

Literature cited by the submitters: PubMed 21482928.

NM_002087.4(GRN):c.1420_1421del (p.Cys474fs)

Gene: GRN (granulin precursor; plus strand). Cytogenetic location: 17q21.31.
Variant type: Microsatellite.
Coding change: c.1420_1421del on transcript NM_002087.4 (MANE Select); coding-DNA positions 1420 to 1421, 2 bases deleted (TG; older notation c.1420_1421delTG).
Protein change: p.Cys474fs; shifts the reading frame from cysteine 474.
Molecular consequence: frameshift variant.
Genome position (GRCh38, 1-based): chr17:44,352,347-44,352,348, TG deleted; deleting any 2 consecutive bases within chr17:44,352,343-44,352,348 gives the same sequence; the c. name uses the placement nearest the transcript's 3' end. VCF-style (leftmost placement, unchanged base first): chr17-44352342-CTG-C. GRCh37 (hg19) VCF-style: chr17-42429710-CTG-C.
Other names: short protein forms C474fs.
Identifiers: ClinVar variation 995195 (VCV000995195.1), dbSNP rs2048384991, ClinGen allele CA2261354624.